The following is an entry in ClinVar:

NM_024408.4(NOTCH2):c.1544G>A (p.Arg515His)

Gene: NOTCH2 (notch receptor 2; minus strand). Cytogenetic location: 1p12.
Variant type: single nucleotide variant.
Coding change: c.1544G>A on transcript NM_024408.4 (MANE Select); coding-DNA position 1544, G replaced by A.
Protein change: p.Arg515His; replaces arginine 515 with histidine.
Molecular consequence: missense variant.
Genome position (GRCh38, 1-based): chr1:119,966,399, C>T on the plus strand (G>A on the coding strand, the complement: NOTCH2 is on the minus strand). VCF-style: chr1-119966399-C-T. GRCh37 (hg19) VCF-style: chr1-120509022-C-T.
Other names: p.Arg515His; c.1544G>A, p.Arg515His (NM_001200001.2); short protein forms R515H.
Identifiers: ClinVar variation 2050604 (VCV002050604.5), dbSNP rs781906256, ClinGen allele CA1040530.

ClinVar aggregate classification (germline): Uncertain significance. Review status: criteria provided, multiple submitters, no conflicts (2 of 4 stars). 2 submissions from 2 submitters: Uncertain significance (2). Last evaluated 2025-09-16.

Conditions:
Hajdu-Cheney syndrome (HJCYS). Also called: ACROOSTEOLYSIS WITH OSTEOPOROSIS AND CHANGES IN SKULL AND MANDIBLE; Acroosteolysis dominant type; SERPENTINE FIBULA-POLYCYSTIC KIDNEY SYNDROME. Identifiers: Orphanet 955, MedGen C0917715, MONDO:0007057, OMIM 102500.

Allele frequency attached by ClinVar (database versions not stated): gnomAD 0.00001; gnomAD exomes 0.00001; ExAC 0.00002; TOPMed 0.00002.
gnomAD v4.1: 9 of 1,613,666 alleles (0.00056%); highest among the groups gnomAD compares: Admixed American, 0.0067%; no homozygotes.

Submissions (2):

Labcorp Genetics (formerly Invitae), Labcorp
Classification: Uncertain significance for Hajdu-Cheney syndrome. Last evaluated: 2025-09-16. Review status: criteria provided, single submitter. Criteria: Invitae Variant Classification Sherloc (09022015). Collection method: clinical testing. Allele origin: germline.
Comment: This sequence change replaces arginine, which is basic and polar, with histidine, which is basic and polar, at codon 515 of the NOTCH2 protein (p.Arg515His). This variant is present in population databases (rs781906256, gnomAD 0.01%). This variant has not been reported in the literature in individuals affected with NOTCH2-related conditions. ClinVar contains an entry for this variant (Variation ID: 2050604). Invitae Evidence Modeling of protein sequence and biophysical properties (such as structural, functional, and spatial information, amino acid conservation, physicochemical variation, residue mobility, and thermodynamic stability) indicates that this missense variant is not expected to disrupt NOTCH2 protein function with a negative predictive value of 80%. In summary, the available evidence is currently insufficient to determine the role of this variant in disease. Therefore, it has been classified as a Variant of Uncertain Significance.

Mayo Clinic Laboratories, Mayo Clinic
Classification: Uncertain significance. Last evaluated: 2022-03-03. Review status: criteria provided, single submitter. Criteria: ACMG Guidelines, 2015. Collection method: clinical testing. Allele origin: germline. Observed: 2 variant alleles.